The following is an entry in ClinVar:

ClinVar aggregate classification (germline): Uncertain significance. Review status: criteria provided, multiple submitters, no conflicts (2 of 4 stars). 2 submissions from 2 submitters: Uncertain significance (2). Last evaluated 2022-08-09.

Conditions:
Hereditary spastic paraplegia 11. Also called: SPASTIC PARAPLEGIA, AUTOSOMAL RECESSIVE, COMPLICATED, WITH THIN CORPUS CALLOSUM; SPASTIC PARAPLEGIA, AUTOSOMAL RECESSIVE, WITH MENTAL IMPAIRMENT AND THIN CORPUS CALLOSUM; Spastic Paraplegia 11; Spastic paraplegia, mental retardation and thin corpus callosum; Nakamura Osame syndrome; Autosomal recessive hereditary spastic paraplegia, mental impairment, and thin corpus callosum. Identifiers: Orphanet 2822, MedGen C1858479, MONDO:0011445, OMIM 604360.

Allele frequency attached by ClinVar (database versions not stated): TOPMed below 0.00001; gnomAD exomes 0.00001 and 0.00002; ExAC 0.00003.
gnomAD v4.1: 20 of 1,614,198 alleles (0.0012%); highest among the groups gnomAD compares: Non-Finnish European, 0.0016%; no homozygotes.

Submissions (2):

Labcorp Genetics (formerly Invitae), Labcorp
Classification: Uncertain significance for Hereditary spastic paraplegia 11. Last evaluated: 2022-08-09. Review status: criteria provided, single submitter. Criteria: Invitae Variant Classification Sherloc (09022015). Collection method: clinical testing. Allele origin: germline.
Comment: This sequence change replaces asparagine, which is neutral and polar, with histidine, which is basic and polar, at codon 1879 of the SPG11 protein (p.Asn1879His). This variant is present in population databases (rs759595222, gnomAD 0.004%). This variant has not been reported in the literature in individuals affected with SPG11-related conditions. ClinVar contains an entry for this variant (Variation ID: 1693644). Algorithms developed to predict the effect of missense changes on protein structure and function output the following: SIFT: "Deleterious"; PolyPhen-2: "Probably Damaging"; Align-GVGD: "Class C0". The histidine amino acid residue is found in multiple mammalian species, which suggests that this missense change does not adversely affect protein function. In summary, the available evidence is currently insufficient to determine the role of this variant in disease. Therefore, it has been classified as a Variant of Uncertain Significance.

Mayo Clinic Laboratories, Mayo Clinic
Classification: Uncertain significance. Last evaluated: 2021-10-26. Review status: criteria provided, single submitter. Criteria: ACMG Guidelines, 2015. Collection method: clinical testing. Allele origin: germline.

NM_025137.4(SPG11):c.5635A>C (p.Asn1879His)

Gene: SPG11 (SPG11 vesicle trafficking associated, spatacsin; minus strand). Cytogenetic location: 15q21.1.
Variant type: single nucleotide variant.
Coding change: c.5635A>C on transcript NM_025137.4 (MANE Select); coding-DNA position 5635, A replaced by C.
Protein change: p.Asn1879His; replaces asparagine 1879 with histidine.
Molecular consequence: missense variant.
Genome position (GRCh38, 1-based): chr15:44,584,045, T>G on the plus strand (A>C on the coding strand, the complement: SPG11 is on the minus strand). VCF-style: chr15-44584045-T-G. GRCh37 (hg19) VCF-style: chr15-44876243-T-G.
Other names: p.Asn1879His; c.5635A>C, p.Asn1879His (NM_001160227.2); short protein forms N1879H.
Identifiers: ClinVar variation 1693644 (VCV001693644.6), dbSNP rs759595222, ClinGen allele CA7534378.
Genomic context (GRCh38, chr15:44,584,045, plus strand): 5'-GGCATACTCTACTTGCTTCATGCACACAGCCATCATCCAGTAGGCGCCCAATCAAAAAGT[T>G]TAGTGACTCCTGCTCTTTCCAATCCAATCTATTCTCGCATGTCTCTTTGGATGGAAGGCT-3'
Protein context (NP_079413.3, residues 1869-1889): RLDWKEQESL[Asn1879His]FLIGRLLDDG